The following is an entry in ClinVar:

ClinVar aggregate classification (germline): Likely benign (0 of 4 stars; one submission).

Conditions:
IFT172-related disorder. Also called: IFT172-related condition; IFT172-related disorders.

Allele frequency attached by ClinVar (database versions not stated): TOPMed below 0.00001.

Submission:

PreventionGenetics, part of Exact Sciences
Classification: Likely benign for IFT172-related condition. Last evaluated: 2023-09-19. Review status: no assertion criteria provided. Collection method: clinical testing. Allele origin: germline.
Comment: This variant is classified as likely benign based on ACMG/AMP sequence variant interpretation guidelines (Richards et al. 2015 PMID: 25741868, with internal and published modifications).

NM_015662.3(IFT172):c.1293A>G (p.Val431=)

Gene: IFT172 (intraflagellar transport 172; minus strand). Cytogenetic location: 2p23.3.
Variant type: single nucleotide variant.
Coding change: c.1293A>G on transcript NM_015662.3 (MANE Select); coding-DNA position 1293, A replaced by G.
Protein change: p.Val431=; no amino-acid change (valine 431 retained).
Molecular consequence: synonymous variant.
Genome position (GRCh38, 1-based): chr2:27,477,249, T>C on the plus strand (A>G on the coding strand, the complement: IFT172 is on the minus strand). VCF-style: chr2-27477249-T-C. GRCh37 (hg19) VCF-style: chr2-27700116-T-C.
Other names: c.1293A>G, p.Val431= (NM_001410739.1).
Identifiers: ClinVar variation 3029374 (VCV003029374.2), dbSNP rs1031884019, ClinGen allele CA44513398.
Genomic context (GRCh38, chr2:27,477,249, plus strand): 5'-AGGGATTCAGAGAATCTTGTGAGGTTACCTGATGAGGTGGGGGTTCATGAATTCAGTGCG[T>C]ACAGAACCCAGGGTGTCATTATTCCCATATTCCACCAGGGTTAGCTCTCCGGCATTGAAG-3'
Protein context (NP_056477.1, residues 421-441): EYGNNDTLGS[Val431=]RTEFMNPHLI